The following is an entry in ClinVar:

NM_000492.4(CFTR):c.3222T>A (p.Phe1074Leu)

Genes: CFTR (CF transmembrane conductance regulator; plus strand), CFTR-AS2 (CFTR antisense RNA 2; minus strand), LOC111674472 (DNase I hypersensitive sites in introns 16 and 17a of CFTR; plus strand). Cytogenetic location: 7q31.2.
Variant type: single nucleotide variant.
Coding change: c.3222T>A on transcript NM_000492.4 (MANE Select); coding-DNA position 3222, T replaced by A.
Protein change: p.Phe1074Leu; replaces phenylalanine 1074 with leucine.
Molecular consequence: missense variant.
Genome position (GRCh38, 1-based): chr7:117,611,663, T>A. VCF-style: chr7-117611663-T-A. GRCh37 (hg19) VCF-style: chr7-117251717-T-A.
Other names: short protein forms F1074L.
Identifiers: ClinVar variation 53688 (VCV000053688.40), dbSNP rs186045772, ClinGen allele CA327103.

ClinVar aggregate classification (germline): drug response. Review status: reviewed by expert panel (3 of 4 stars). 15 submissions from 13 submitters: drug response (1). 14 of the submissions do not count toward it. Last evaluated 2021-03-24.

Conditions:
CFTR-related disorder (CFTR-RD). Also called: CFTR-related condition; CFTR-related disorders. Identifiers: MedGen C5924204, MONDO:7770004.
Congenital bilateral aplasia of vas deferens from CFTR mutation (CBAVD). Identifiers: Orphanet 48, MedGen C0403814, MONDO:0010178, OMIM 277180. Disease mechanism: loss of function.
Cystic fibrosis (CF). Also called: MUCOVISCIDOSIS. Identifiers: Orphanet 586, MedGen C0010674, MONDO:0009061, OMIM 219700. Disease mechanism: loss of function.
Bronchiectasis with or without elevated sweat chloride 1 (BESC1). Also called: Cystic Fibrosis-Like Syndrome. Identifiers: Orphanet 60033, MedGen C2749757, MONDO:0008887, OMIM 211400.
ivacaftor response - Efficacy. Identifiers: MedGen CN322735.

Allele frequency attached by ClinVar (database versions not stated): gnomAD exomes below 0.00001; ExAC 0.00001; gnomAD 0.00001; TOPMed 0.00001; 1000 Genomes Project 30x 0.00016; 1000 Genomes Project 0.00020.
gnomAD v4.1: 8 of 1,613,636 alleles (0.0005%); highest among the groups gnomAD compares: Admixed American, 0.0033%; no homozygotes.

Submissions 1 to 7 of 15:

ClinPGx
Classification: drug response for ivacaftor response - Efficacy. Last evaluated: 2021-03-24. Review status: reviewed by expert panel. Criteria: Pharmacogenomics knowledge for personalized medicine. Collection method: curation. Allele origin: germline. Affected: yes.
Comment: PharmGKB Level of Evidence 1A: Level 1A clinical annotations describe variant-drug combinations that have variant-specific prescribing guidance available in a current clinical guideline annotation or an FDA-approved drug label annotation. Annotations of drug labels or clinical guidelines must give prescribing guidance for specific variants (e.g. CYP2C9*3, HLA-B*57:01) or provide mapping from defined allele functions to diplotypes and phenotypes to be used as supporting evidence for a level 1A clinical annotation. Level 1A clinical annotations must also be supported by at least one publication in addition to a clinical guideline or drug label with variant-specific prescribing guidance.

Drug is not necessarily used to treat response condition

Labcorp Genetics (formerly Invitae), Labcorp
Classification: Uncertain significance for Cystic fibrosis. Last evaluated: 2025-12-22. Review status: criteria provided, single submitter. Criteria: Invitae Variant Classification Sherloc (09022015). Collection method: clinical testing. Allele origin: germline. Not counted in ClinVar's aggregate classification.
Comment: This sequence change replaces phenylalanine, which is neutral and non-polar, with leucine, which is neutral and non-polar, at codon 1074 of the CFTR protein (p.Phe1074Leu). This variant is present in population databases (rs186045772, gnomAD 0.0009%). This missense change has been observed in individuals with clinical features of CFTR-related conditions (PMID: 10875853, 16801189, 17003641, 17407489, 32150665, 34814176). ClinVar contains an entry for this variant (Variation ID: 53688). Invitae Evidence Modeling of protein sequence and biophysical properties (such as structural, functional, and spatial information, amino acid conservation, physicochemical variation, residue mobility, and thermodynamic stability) indicates that this missense variant is expected to disrupt CFTR protein function with a positive predictive value of 80%. Experimental studies have shown that this missense change affects CFTR function (PMID: 23891399). In summary, the available evidence is currently insufficient to determine the role of this variant in disease. Therefore, it has been classified as a Variant of Uncertain Significance.

Natera, Inc.
Classification: Pathogenic for CFTR-related disorders. Last evaluated: 2025-11-18. Review status: criteria provided, single submitter. Criteria: Natera Variant Classification Schema (03/2026). Collection method: clinical testing. Allele origin: germline. Not counted in ClinVar's aggregate classification.
Comment: The c.3222T>A variant in CFTR is a missense variant predicted to cause substitution of phenylalanine to leucine at amino acid 1074. This variant is rare in the general population with a frequency below the threshold expected for the associated phenotype(s). This variant has been observed in one or more individuals affected with the associated recessive disease, as either homozygous or compound heterozygous with a second variant (PMID: 16801189, 30888834). Functional studies show that this variant may disrupt protein function (PMID: 23891399). Another variant at this same site results in an alteration predicted to cause a similar molecular effect has been observed in individual(s) with the associated phenotype. Computational prediction algorithms indicate this variant is likely to affect gene or protein function. Given the available evidence, this variant is classified as Pathogenic.

PreventionGenetics, part of Exact Sciences
Classification: Likely pathogenic for CFTR-related condition. Last evaluated: 2025-04-08. Review status: criteria provided, single submitter. Criteria: ACMG Guidelines, 2015. Collection method: clinical testing. Allele origin: germline. Not counted in ClinVar's aggregate classification.
Comment: The CFTR c.3222T>A variant is predicted to result in the amino acid substitution p.Phe1074Leu. This variant, often reported on the same allele (in cis) to a 5T allele, has been reported in the heterozygous and compound heterozygous states in multiple individuals with cystic fibrosis (CF) and CFTR-related disorders including congenital bilateral absence of the vas deferens (CBAVD) and pancreatitis (Casals et al. 1997. PubMed ID: 9439669; Casals et al. 2000. PubMed ID: 10875853; Keiles and Kammesheidt 2006. PubMed ID: 17003641; Alonso et al. 2007. PubMed ID: 17331079; Trujillano et al. 2013. PubMed ID: 23687349; Terlizzi et al. 2020. PubMed ID: 32150665). This variant has also been reported in individuals with elevated immunoreactive trypsinogen (IRT) levels and borderline sweat chloride concentrations, (Padoan et al. 2006. PubMed ID: 16801189; Lucarelli et al. 2017. PubMed ID: 28736296; Gonska et al. 2021. PubMed ID: 34814176). In vitro functional studies show this variant disrupts protein processing and trafficking to the plasma membrane, leading to reduced ion channel activity (<10%) relative to control, likely due to decreased protein abundance (Van Goor et al. 2014. PubMed ID: 23891399; Prins et al. 2020. PubMed ID: 32934006). This variant is reported in 0.00088% of alleles in individuals of European (non-Finnish) descent in gnomAD and is classified as a "variant of varying clinical consequence" in the CFTR2 database (accessed 3/28/25). Taken together, we interpret the p.Phe1074Leu variant as likely pathogenic for CF and CFTR-related disorders.

Women's Health and Genetics/Laboratory Corporation of America, LabCorp
Classification: Likely pathogenic for Cystic fibrosis. Last evaluated: 2025-03-26. Review status: criteria provided, single submitter. Criteria: LabCorp Variant Classification Summary - May 2015. Collection method: clinical testing. Allele origin: germline. Not counted in ClinVar's aggregate classification.
Comment: Variant summary: CFTR c.3222T>A (p.Phe1074Leu) results in a non-conservative amino acid change located in the ABC transporter type 1, transmembrane domain of the encoded protein sequence. Four of five in-silico tools predict a damaging effect of the variant on protein function. The variant allele was found at a frequency of 3.9e-06 in 253492 control chromosomes. The variant has been reported in cis with 5T allele in individuals affected with Non-classic Cystic Fibrosis (Casals_1997, Casals_2000). In those three patients, authors did not find a pathogenic variant in the second allele, however in additional patients with CBVAD or CF, pathogenic variants were detected on second allele (Casals_2000, Terlizzi_2019). Furthermore, other individuals have been reported with a second pathogenic allele who have intermmediate sweat chloride levels, resulting in an inconclusive CF diagnosis (e.g. Colombo_2006, Padoan_2006, Gonska_2021). These data indicate that the variant may be associated with disease. At least one publication reports that this variant leads to impaired chloride transport and processing (Van Goor_2013, Prins_2020, Bihler_2024), consistent with the mild CF disease associated with this variant. The following publications have been ascertained in the context of this evaluation (PMID: 17331079, 10875853, 9439669, 24813944, 15126740, 8702904, 23017188, 34814176, 17003641, 26574590, 25033378, 28736296, 30888834, 20416310, 16801189, 32934006, 30561903, 32150665, 23687349, 23891399, 38388235). ClinVar contains an entry for this variant (Variation ID: 53688). Based on the evidence outlined above, the variant was classified as likely pathogenic.

Johns Hopkins Genomics, Johns Hopkins University
Classification: Likely pathogenic for Cystic fibrosis. Last evaluated: 2024-04-10. Review status: criteria provided, single submitter. Criteria: ACMG Guidelines, 2015. Collection method: clinical testing. Allele origin: germline. Not counted in ClinVar's aggregate classification.
Comment: CFTR variant associated with varying clinical consequence. See CFTR2 for phenotype information.

Baylor Genetics
Classification: Likely pathogenic for Bronchiectasis with or without elevated sweat chloride 1. Last evaluated: 2024-02-08. Review status: criteria provided, single submitter. Criteria: ACMG Guidelines, 2015. Collection method: clinical testing. Allele origin: unknown. Not counted in ClinVar's aggregate classification.